The following is an entry in ClinVar:

NM_144599.5(NIPA1):c.*3702C>T

Gene: NIPA1 (NIPA magnesium transporter 1; plus strand). Cytogenetic location: 15q11.2.
Variant type: single nucleotide variant.
Coding change: c.*3702C>T on transcript NM_144599.5 (MANE Select); 3702 bases downstream of the stop codon, C replaced by T.
Molecular consequence: 3 prime UTR variant.
Genome position (GRCh38, 1-based): chr15:22,827,941, C>T. VCF-style: chr15-22827941-C-T. GRCh37 (hg19) VCF-style: chr15-23045127-G-A.
Other names: c.*3702C>T (NM_001142275.1).
Identifiers: ClinVar variation 315356 (VCV000315356.6), dbSNP rs3812923, ClinGen allele CA10646711.
Genomic context (GRCh38, chr15:22,827,941, plus strand): 5'-CTGGTCGGGGGATTCCTCTTCTTCAAGCTGCTCAGCTAACCCAGAAGAGGGGAGAGAGTA[C>T]TCCGGTGGTTCCCAGAGCCCCTCCCGTTGTGCCGCTTCGACCTGACACCTGCTCGATGCT-3'

ClinVar aggregate classification (germline): Benign. Review status: criteria provided, multiple submitters, no conflicts (2 of 4 stars). 2 submissions from 2 submitters: Benign (2). Last evaluated 2018-01-13.

Conditions:
Hereditary spastic paraplegia 6 (SPG6). Also called: SPASTIC PARAPLEGIA 6, AUTOSOMAL DOMINANT. Identifiers: Orphanet 100988, MedGen C1838192, MONDO:0010878, OMIM 600363.

Allele frequency attached by ClinVar (database versions not stated): gnomAD 0.04394 and 0.03905; TOPMed 0.04481; 1000 Genomes Project 30x 0.07448; 1000 Genomes Project 0.07688; gnomAD exomes 0.04348.
gnomAD v4.1: 6,687 of 152,194 alleles (4.4%); highest among the groups gnomAD compares: South Asian, 14%; 233 homozygotes.

Submissions (2):

Illumina Laboratory Services, Illumina
Classification: Benign for Hereditary spastic paraplegia 6. Last evaluated: 2018-01-13. Review status: criteria provided, single submitter. Criteria: ICSL Variant Classification Criteria 13 December 2019. Collection method: clinical testing. Allele origin: germline.
Comment: This variant was observed in the ICSL laboratory as part of a predisposition screen in an ostensibly healthy population. It had not been previously curated by ICSL or reported in the Human Gene Mutation Database (HGMD: prior to June 1st, 2018), and was therefore a candidate for classification through an automated scoring system. Utilizing variant allele frequency, disease prevalence and penetrance estimates, and inheritance mode, an automated score was calculated to assess if this variant is too frequent to cause the disease. Based on the score and internal cut-off values, a variant classified as benign is not then subjected to further curation. The score for this variant resulted in a classification of benign for this disease.

Breakthrough Genomics
Classification: Benign. Review status: criteria provided, single submitter. Criteria: ACMG Guidelines, 2015. Collection method: not provided. Allele origin: germline. Inheritance: Autosomal dominant inheritance. Affected: yes.